The following is an entry in ClinVar:

ClinVar aggregate classification (germline): Uncertain significance (1 of 4 stars; one submission).

Conditions:
Spastic paraplegia. Identifiers: MedGen C0037772, HP:0001258.

Allele frequency attached by ClinVar (database versions not stated): gnomAD 0.00001.
gnomAD v4.1: 1 of 1,613,352 alleles (0.000062%); highest among the groups gnomAD compares: African/African-American, 0.0013%; no homozygotes.

Submission:

Labcorp Genetics (formerly Invitae), Labcorp
Classification: Uncertain significance for Spastic paraplegia. Last evaluated: 2022-07-15. Review status: criteria provided, single submitter. Criteria: Invitae Variant Classification Sherloc (09022015). Collection method: clinical testing. Allele origin: germline.
Comment: This sequence change replaces leucine, which is neutral and non-polar, with phenylalanine, which is neutral and non-polar, at codon 73 of the CYP7B1 protein (p.Leu73Phe). This variant is not present in population databases (gnomAD no frequency). This variant has not been reported in the literature in individuals affected with CYP7B1-related conditions. Algorithms developed to predict the effect of missense changes on protein structure and function are either unavailable or do not agree on the potential impact of this missense change (SIFT: "Tolerated"; PolyPhen-2: "Probably Damaging"; Align-GVGD: "Class C0"). In summary, the available evidence is currently insufficient to determine the role of this variant in disease. Therefore, it has been classified as a Variant of Uncertain Significance.

NM_004820.5(CYP7B1):c.217C>T (p.Leu73Phe)

Gene: CYP7B1 (cytochrome P450 family 7 subfamily B member 1; minus strand). Cytogenetic location: 8q12.3.
Variant type: single nucleotide variant.
Coding change: c.217C>T on transcript NM_004820.5 (MANE Select); coding-DNA position 217, C replaced by T.
Protein change: p.Leu73Phe; replaces leucine 73 with phenylalanine.
Molecular consequence: missense variant.
Genome position (GRCh38, 1-based): chr8:64,624,445, G>A on the plus strand (C>T on the coding strand, the complement: CYP7B1 is on the minus strand). VCF-style: chr8-64624445-G-A. GRCh37 (hg19) VCF-style: chr8-65537002-G-A.
Other names: c.217C>T, p.Leu73Phe (NM_001324112.2); short protein forms L73F.
Identifiers: ClinVar variation 1968535 (VCV001968535.4), dbSNP rs1805576798, ClinGen allele CA371338421.